The following is an entry in ClinVar:

ClinVar aggregate classification (germline): Uncertain significance. Review status: criteria provided, multiple submitters, no conflicts (2 of 4 stars). 10 submissions from 10 submitters: Uncertain significance (9). 1 of the submissions does not count toward it. Last evaluated 2026-05-15.

Conditions:
Hereditary nonpolyposis colorectal neoplasms. Identifiers: MedGen C0009405, MeSH D003123.
Hereditary cancer-predisposing syndrome. Also called: Neoplastic Syndromes, Hereditary; Hereditary Cancer Syndrome; Tumor predisposition; Hereditary neoplastic syndrome. Identifiers: Orphanet 140162, MedGen C0027672, MeSH D009386, MONDO:0015356.
Lynch syndrome. Identifiers: Orphanet 144, MedGen C4552100, MONDO:0005835. Disease mechanism: loss of function.
Lynch syndrome 4 (LYNCH4). Also called: Colorectal cancer, hereditary nonpolyposis, type 4; Hereditary non-polyposis colorectal cancer, type 4. Identifiers: Orphanet 144, MedGen C1838333, MONDO:0013699, OMIM 614337. Disease mechanism: loss of function.
Malignant tumor of breast. Also called: Malignant breast neoplasm; Cancer breast. Identifiers: MedGen C0006142, MONDO:0007254. Disease mechanism: loss of function.

Allele frequency attached by ClinVar (database versions not stated): gnomAD 0.00002.
gnomAD v4.1: 22 of 1,611,922 alleles (0.0014%); highest among the groups gnomAD compares: Non-Finnish European, 0.0018%; no homozygotes.

Submissions (10):

Women's Health and Genetics/Laboratory Corporation of America, LabCorp
Classification: Uncertain significance. Last evaluated: 2026-05-15. Review status: criteria provided, single submitter. Criteria: LabCorp Variant Classification Summary - May 2015. Collection method: clinical testing. Allele origin: germline.
Comment: Variant summary: PMS2 c.1048C>T (p.Leu350Phe) results in a non-conservative amino acid change in the encoded protein sequence. Algorithms developed to predict the effect of missense changes on protein structure and function are either unavailable or do not agree on the potential impact of this missense change. The variant was absent in 251168 control chromosomes (gnomAD). The available data on variant occurrences in the general population are insufficient to allow any conclusion about variant significance. c.1048C>T has been observed in individuals affected with prostate cancer or breast cancer, as well as unaffected controls (Dorling_2021, Kachanov_2025). These reports do not provide unequivocal conclusions about association of the variant with disease. To our knowledge, no experimental evidence demonstrating an impact on protein function has been reported. The following publications have been ascertained in the context of this evaluation (PMID: 33471991, 40517093). ClinVar contains an entry for this variant (Variation ID: 142991). Based on the evidence outlined above, the variant was classified as uncertain significance.

Praxis Für Humangenetik, Biosciencia MVZ Labor Saar
Classification: Uncertain significance for Hereditary cancer-predisposing syndrome. Last evaluated: 2026-01-15. Review status: criteria provided, single submitter. Criteria: ACMG Guidelines, 2015. Collection method: clinical testing. Allele origin: germline.
Comment: PM2, PP3

Labcorp Genetics (formerly Invitae), Labcorp
Classification: Uncertain significance for Hereditary nonpolyposis colorectal neoplasms. Last evaluated: 2025-12-30. Review status: criteria provided, single submitter. Criteria: Invitae Variant Classification Sherloc (09022015). Collection method: clinical testing. Allele origin: germline.
Comment: This sequence change replaces leucine, which is neutral and non-polar, with phenylalanine, which is neutral and non-polar, at codon 350 of the PMS2 protein (p.Leu350Phe). This variant is not present in population databases (gnomAD no frequency). This variant has not been reported in the literature in individuals affected with PMS2-related conditions. ClinVar contains an entry for this variant (Variation ID: 142991). Invitae Evidence Modeling incorporating data from in vitro experimental studies (internal data) indicates that this missense variant is not expected to disrupt PMS2 function with a negative predictive value of 95%. In summary, the available evidence is currently insufficient to determine the role of this variant in disease. Therefore, it has been classified as a Variant of Uncertain Significance.

Quest Diagnostics Nichols Institute San Juan Capistrano
Classification: Uncertain significance. Last evaluated: 2025-10-20. Review status: criteria provided, single submitter. Criteria: Quest Diagnostics criteria. Collection method: clinical testing. Allele origin: unknown.
Comment: The PMS2 c.1048C>T (p.Leu350Phe) variant has been described in the published literature in individuals affected with breast cancer (PMIDs: 32885271 (2021)), 33471991 (2021), see also LOVD), as well as in reportedly unaffected individuals in a large-scale breast cancer association study (PMID: 33471991 (2021), see also LOVD). The frequency of this variant in the general population (Genome Aggregation Database) is uninformative in the assessment of its pathogenicity. Analysis of this variant using bioinformatics tools for the prediction of the effect of amino acid changes on protein structure and function yielded predictions that this variant is damaging. Based on the available information, we are unable to determine the clinical significance of this variant.

Color Diagnostics, LLC DBA Color Health
Classification: Uncertain significance for Hereditary cancer-predisposing syndrome. Last evaluated: 2025-08-12. Review status: criteria provided, single submitter. Criteria: ACMG Guidelines, 2015. Collection method: clinical testing. Allele origin: germline.
Comment: This missense variant replaces leucine with phenylalanine at codon 350 of the PMS2 protein. Computational prediction is inconclusive regarding the impact of this variant on protein structure and function. To our knowledge, functional studies have not been reported for this variant. This variant has not been reported in individuals affected with PMS2-related disorders in the literature. This variant has not been identified in the general population by the Genome Aggregation Database (gnomAD). The available evidence is insufficient to determine the role of this variant in disease conclusively. Therefore, this variant is classified as a Variant of Uncertain Significance.

Ambry Genetics
Classification: Uncertain significance for Hereditary cancer-predisposing syndrome. Last evaluated: 2024-01-25. Review status: criteria provided, single submitter. Criteria: Ambry Variant Classification Scheme 2023. Collection method: clinical testing. Allele origin: germline.
Comment: The p.L350F variant (also known as c.1048C>T), located in coding exon 10 of the PMS2 gene, results from a C to T substitution at nucleotide position 1048. The leucine at codon 350 is replaced by phenylalanine, an amino acid with highly similar properties. This variant was observed in 1/3251 individuals who met eligibility criteria for hereditary breast and ovarian cancer syndrome (Lerner-Ellis J et al. J Cancer Res Clin Oncol, 2021 Mar;147:871-879). This amino acid position is well conserved in available vertebrate species. In addition, the in silico prediction for this alteration is inconclusive. Based on the available evidence, the clinical significance of this alteration remains unclear.

All of Us Research Program, National Institutes of Health
Classification: Uncertain significance for Lynch syndrome. Last evaluated: 2023-10-30. Review status: criteria provided, single submitter. Criteria: ACMG Guidelines, 2015. Collection method: clinical testing. Allele origin: germline. Inheritance: Autosomal dominant inheritance. Observed: 2 variant alleles, 2 heterozygotes.
Comment: This missense variant replaces leucine with phenylalanine at codon 350 of the PMS2 protein. Computational prediction is inconclusive regarding the impact of this variant on protein structure and function (internally defined REVEL score threshold 0.5 < inconclusive < 0.7, PMID: 27666373). To our knowledge, functional studies have not been reported for this variant. This variant has not been reported in individuals affected with hereditary cancer in the literature. This variant has not been identified in the general population by the Genome Aggregation Database (gnomAD). The available evidence is insufficient to determine the role of this variant in disease conclusively. Therefore, this variant is classified as a Variant of Uncertain Significance.

This study involves interpretation of variants in research participants for the purpose of population health screening. Participant phenotype was not available at the time of variant classification. Additional details can be found in publication PMID: 35346344, PMCID: PMC8962531

Baylor Genetics
Classification: Uncertain significance for Lynch syndrome 4. Last evaluated: 2023-10-26. Review status: criteria provided, single submitter. Criteria: ACMG Guidelines, 2015. Collection method: clinical testing. Allele origin: unknown.

Blueprint Genetics
Classification: Uncertain significance. Last evaluated: 2022-09-01. Review status: criteria provided, single submitter. Criteria: ACMG Guidelines, 2015. Collection method: clinical testing. Allele origin: germline.

Department of Pathology and Laboratory Medicine, Sinai Health System
Classification: Uncertain significance for Malignant tumor of breast. Review status: no assertion criteria provided. Collection method: clinical testing. Allele origin: unknown. Affected: yes. Study: The Canadian Open Genetics Repository (COGR). Not counted in ClinVar's aggregate classification.
Comment: The PMS2 p.Leu350Phe variant was not identified in the literature. The variant was also identified in dbSNP (ID: rs587782875) as "With Uncertain significance allele" and in ClinVar (classified as uncertain significance by Invitae and Ambry Genetics). The variant was not identified in the following control databases: the Exome Aggregation Consortium (August 8th 2016) or the Genome Aggregation Database (Feb 27, 2017). The p.Leu350 residue is conserved in mammals and computational analyses (PolyPhen-2, SIFT, AlignGVGD, BLOSUM, MutationTaster) provide inconsistent predictions regarding the impact to the protein; this information is not very predictive of pathogenicity. The variant occurs outside of the splicing consensus sequence and in silico or computational prediction software programs (SpliceSiteFinder, MaxEntScan, NNSPLICE, GeneSplicer) do not predict a difference in splicing. In summary, based on the above information, the clinical significance of this variant cannot be determined with certainty at this time. This variant is classified as a variant of uncertain significance.

Literature cited by the submitters: PubMed 33471991 (cited by Women's Health and Genetics/Laboratory Corporation of America, LabCorp); PubMed 40517093 (cited by Women's Health and Genetics/Laboratory Corporation of America, LabCorp); PubMed 32885271 (cited by Quest Diagnostics Nichols Institute San Juan Capistrano and Ambry Genetics).

NM_000535.7(PMS2):c.1048C>T (p.Leu350Phe)

Gene: PMS2 (PMS1 homolog 2, mismatch repair system component; minus strand). Cytogenetic location: 7p22.1.
Variant type: single nucleotide variant.
Coding change: c.1048C>T on transcript NM_000535.7 (MANE Select); coding-DNA position 1048, C replaced by T.
Protein change: p.Leu350Phe; replaces leucine 350 with phenylalanine.
Molecular consequence: missense variant. On other transcripts: non-coding transcript variant (1), intron variant (2).
Genome position (GRCh38, 1-based): chr7:5,989,896, G>A on the plus strand (C>T on the coding strand, the complement: PMS2 is on the minus strand). VCF-style: chr7-5989896-G-A. GRCh37 (hg19) VCF-style: chr7-6029527-G-A.
Other names: c.643C>T, p.Leu215Phe (NM_001322005.2, NM_001322009.2, NM_001322003.2 and 1 more transcripts); c.730C>T, p.Leu244Phe (NM_001322007.2, NM_001322008.2); c.115C>T, p.Leu39Phe (NM_001322011.2, NM_001322012.2); c.475C>T, p.Leu159Phe (NM_001322013.2); c.1048C>T, p.Leu350Phe (NM_001322014.2); c.739C>T, p.Leu247Phe (NM_001322015.2); c.583+2077C>T (NM_001322010.2); c.988+2077C>T (NM_001322006.2); short protein forms L350F, L244F, L247F, L215F, L159F, L39F.
Identifiers: ClinVar variation 142991 (VCV000142991.25), dbSNP rs587782875, ClinGen allele CA009132.